The following is an entry in ClinVar:

ClinVar aggregate classification (germline): Uncertain significance (1 of 4 stars; one submission).

Conditions:
Blau syndrome (BLAUS). Also called: JABS SYNDROME; GRANULOMATOSIS, FAMILIAL JUVENILE SYSTEMIC; GRANULOMATOSIS, FAMILIAL, BLAU TYPE; GRANULOMATOUS INFLAMMATORY ARTHRITIS, DERMATITIS, AND UVEITIS, FAMILIAL; ARTHROCUTANEOUVEAL GRANULOMATOSIS. Identifiers: Orphanet 90340, MedGen C5201146, MONDO:0008523, OMIM 186580.
Regional enteritis. Also called: Enteritis, Granulomatous. Identifiers: MedGen C0678202, MeSH D003424.

gnomAD v4.1: 2 of 1,613,930 alleles (0.00012%); highest among the groups gnomAD compares: Non-Finnish European, 0.00017%; no homozygotes.

Submission:

Labcorp Genetics (formerly Invitae), Labcorp
Classification: Uncertain significance for Regional enteritis; Blau syndrome. Last evaluated: 2024-09-06. Review status: criteria provided, single submitter. Criteria: Invitae Variant Classification Sherloc (09022015). Collection method: clinical testing. Allele origin: germline.
Comment: This sequence change replaces arginine, which is basic and polar, with leucine, which is neutral and non-polar, at codon 756 of the NOD2 protein (p.Arg756Leu). This variant is present in population databases (no rsID available, gnomAD 0.0009%). This variant has not been reported in the literature in individuals affected with NOD2-related conditions. ClinVar contains an entry for this variant (Variation ID: 1381077). Invitae Evidence Modeling of protein sequence and biophysical properties (such as structural, functional, and spatial information, amino acid conservation, physicochemical variation, residue mobility, and thermodynamic stability) indicates that this missense variant is not expected to disrupt NOD2 protein function with a negative predictive value of 95%. In summary, the available evidence is currently insufficient to determine the role of this variant in disease. Therefore, it has been classified as a Variant of Uncertain Significance.

NM_001370466.1(NOD2):c.2186G>T (p.Arg729Leu)

Gene: NOD2 (nucleotide binding oligomerization domain containing 2; plus strand). Cytogenetic location: 16q12.1.
Variant type: single nucleotide variant.
Coding change: c.2186G>T on transcript NM_001370466.1 (MANE Select); coding-DNA position 2186, G replaced by T.
Protein change: p.Arg729Leu; replaces arginine 729 with leucine.
Molecular consequence: missense variant. On other transcripts: non-coding transcript variant (1).
Genome position (GRCh38, 1-based): chr16:50,712,178, G>T. VCF-style: chr16-50712178-G-T. GRCh37 (hg19) VCF-style: chr16-50746089-G-T.
Other names: c.2186G>T, p.Arg729Leu (NM_001293557.2); c.2267G>T, p.Arg756Leu (NM_022162.3); short protein forms R729L, R756L.
Identifiers: ClinVar variation 1381077 (VCV001381077.6), dbSNP rs375713299, ClinGen allele CA395871598.